The following is an entry in ClinVar:

NM_025137.4(SPG11):c.4204C>A (p.His1402Asn)

Genes: SPG11 (SPG11 vesicle trafficking associated, spatacsin; minus strand), LOC130056973 (ATAC-STARR-seq lymphoblastoid active region 9341; plus strand). Cytogenetic location: 15q21.1.
Variant type: single nucleotide variant.
Coding change: c.4204C>A on transcript NM_025137.4 (MANE Select); coding-DNA position 4204, C replaced by A.
Protein change: p.His1402Asn; replaces histidine 1402 with asparagine.
Molecular consequence: missense variant.
Genome position (GRCh38, 1-based): chr15:44,596,313, G>T on the plus strand (C>A on the coding strand, the complement: SPG11 is on the minus strand). VCF-style: chr15-44596313-G-T. GRCh37 (hg19) VCF-style: chr15-44888511-G-T.
Other names: c.4204C>A, p.His1402Asn (NM_001160227.2); c.4204C>A (NM_025137.3); short protein forms H1402N.
Identifiers: ClinVar variation 1387758 (VCV001387758.6), dbSNP rs756973532, ClinGen allele CA7534730.

ClinVar aggregate classification (germline): Uncertain significance. Review status: criteria provided, multiple submitters, no conflicts (2 of 4 stars). 3 submissions from 3 submitters: Uncertain significance (3). Last evaluated 2026-02-04.

Conditions:
SPG11-related disorder. Also called: SPG11-related condition.
Inborn genetic diseases. Identifiers: MedGen C0950123, MeSH D030342.
Hereditary spastic paraplegia 11. Also called: Spastic Paraplegia 11; Spastic paraplegia, mental retardation and thin corpus callosum; SPASTIC PARAPLEGIA, AUTOSOMAL RECESSIVE, COMPLICATED, WITH THIN CORPUS CALLOSUM; SPASTIC PARAPLEGIA, AUTOSOMAL RECESSIVE, WITH MENTAL IMPAIRMENT AND THIN CORPUS CALLOSUM; Nakamura Osame syndrome; Autosomal recessive hereditary spastic paraplegia, mental impairment, and thin corpus callosum. Identifiers: Orphanet 2822, MedGen C1858479, MONDO:0011445, OMIM 604360.

Allele frequency attached by ClinVar (database versions not stated): TOPMed 0.00002.
gnomAD v4.1: 10 of 1,614,136 alleles (0.00062%); highest among the groups gnomAD compares: East Asian, 0.022%; no homozygotes.

Submissions (3):

PreventionGenetics, part of Exact Sciences
Classification: Uncertain significance for SPG11-related condition. Last evaluated: 2026-02-04. Review status: criteria provided, single submitter. Criteria: ACMG Guidelines, 2015. Collection method: clinical testing. Allele origin: germline.
Comment: The SPG11 c.4204C>A variant is predicted to result in the amino acid substitution p.His1402Asn. To our knowledge, this variant has not been reported in the literature. This variant is reported in 0.054% of alleles in individuals of East Asian descent in gnomAD. At this time, the clinical significance of this variant is uncertain due to the absence of conclusive functional and genetic evidence.

Labcorp Genetics (formerly Invitae), Labcorp
Classification: Uncertain significance for Hereditary spastic paraplegia 11. Last evaluated: 2026-01-27. Review status: criteria provided, single submitter. Criteria: Invitae Variant Classification Sherloc (09022015). Collection method: clinical testing. Allele origin: germline.
Comment: This sequence change replaces histidine, which is basic and polar, with asparagine, which is neutral and polar, at codon 1402 of the SPG11 protein (p.His1402Asn). This variant is present in population databases (rs756973532, gnomAD 0.05%). This variant has not been reported in the literature in individuals affected with SPG11-related conditions. ClinVar contains an entry for this variant (Variation ID: 1387758). Invitae Evidence Modeling of protein sequence and biophysical properties (such as structural, functional, and spatial information, amino acid conservation, physicochemical variation, residue mobility, and thermodynamic stability) indicates that this missense variant is expected to disrupt SPG11 protein function with a positive predictive value of 80%. In summary, the available evidence is currently insufficient to determine the role of this variant in disease. Therefore, it has been classified as a Variant of Uncertain Significance.

Ambry Genetics
Classification: Uncertain significance for Inborn genetic diseases. Last evaluated: 2023-09-23. Review status: criteria provided, single submitter. Criteria: Ambry Variant Classification Scheme 2023. Collection method: clinical testing. Allele origin: germline.